The following is an entry in ClinVar:

ClinVar aggregate classification (germline): Uncertain significance (1 of 4 stars; one submission).

Conditions:
Fragile X syndrome. Also called: Fragile X syndrome, type A; MARKER X SYNDROME; MARTIN-BELL SYNDROME; MENTAL RETARDATION, X-LINKED, ASSOCIATED WITH marXq28; X-LINKED MENTAL RETARDATION AND MACROORCHIDISM; Fra(X) syndrome. Identifiers: Orphanet 449291, Orphanet 908, MedGen C0016667, MONDO:0010383, OMIM 300624. Disease mechanism: loss of function.

Submission:

Baylor Genetics
Classification: Uncertain significance for Fragile X syndrome. Last evaluated: 2020-02-13. Review status: criteria provided, single submitter. Criteria: ACMG Guidelines, 2015. Collection method: clinical testing. Allele origin: unknown. Affected: yes.
Comment: This variant was determined to be of uncertain significance according to ACMG Guidelines, 2015 [PMID:25741868].

NM_002024.6(FMR1):c.1282G>C (p.Asp428His)

Gene: FMR1 (fragile X messenger ribonucleoprotein 1; plus strand). Cytogenetic location: Xq27.3.
Variant type: single nucleotide variant.
Coding change: c.1282G>C on transcript NM_002024.6 (MANE Select); coding-DNA position 1282, G replaced by C.
Protein change: p.Asp428His; replaces aspartic acid 428 with histidine.
Molecular consequence: missense variant. On other transcripts: intron variant (2).
Genome position (GRCh38, 1-based): chrX:147,943,137, G>C. VCF-style: chrX-147943137-G-C. GRCh37 (hg19) VCF-style: chrX-147024657-G-C.
Other names: c.1219G>C, p.Asp407His (NM_001185076.2, NM_001185082.2); c.1276-1807G>C (NM_001185075.2); c.1213-1807G>C (NM_001185081.2); short protein forms D407H, D428H.
Identifiers: ClinVar variation 1027988 (VCV001027988.1), dbSNP rs2044064790, ClinGen allele CA414445006.